The following is an entry in ClinVar:

NM_004817.4(TJP2):c.2004G>A (p.Met668Ile)

Gene: TJP2 (tight junction protein 2; plus strand). Cytogenetic location: 9q21.11.
Variant type: single nucleotide variant.
Coding change: c.2004G>A on transcript NM_004817.4 (MANE Select); coding-DNA position 2004, G replaced by A.
Protein change: p.Met668Ile; replaces methionine 668 with isoleucine.
Molecular consequence: missense variant.
Genome position (GRCh38, 1-based): chr9:69,236,961, G>A. VCF-style: chr9-69236961-G-A. GRCh37 (hg19) VCF-style: chr9-71851877-G-A.
Other names: c.2016G>A, p.Met672Ile (NM_001170415.1, NM_001369874.1, NM_001369875.1); c.2097G>A, p.Met699Ile (NM_001170416.2); c.1929G>A, p.Met643Ile (NM_001369870.1); c.1935G>A, p.Met645Ile (NM_001369871.1, NM_001170414.2); c.2004G>A, p.Met668Ile (NM_001369872.1, NM_001369873.1, NM_201629.3); short protein forms M668I, M645I, M699I, M672I, M643I.
Identifiers: ClinVar variation 44095 (VCV000044095.16), dbSNP rs34774441, ClinGen allele CA133552.

ClinVar aggregate classification (germline): Benign. Review status: criteria provided, multiple submitters, no conflicts (2 of 4 stars). 7 submissions from 7 submitters: Benign (7). Last evaluated 2026-02-01.

Allele frequency attached by ClinVar (database versions not stated): ESP Exome Variant Server 0.04982; gnomAD 0.04695 and 0.04571; 1000 Genomes Project 30x 0.03685; 1000 Genomes Project 0.03794; TOPMed 0.04539.
gnomAD v4.1: 95,613 of 1,614,088 alleles (5.9%); highest among the groups gnomAD compares: Middle Eastern, 11%; 3,222 homozygotes.

Submissions (7):

Labcorp Genetics (formerly Invitae), Labcorp
Classification: Benign. Last evaluated: 2026-02-01. Review status: criteria provided, single submitter. Criteria: Invitae Variant Classification Sherloc (09022015). Collection method: clinical testing. Allele origin: germline.

Mayo Clinic Laboratories, Mayo Clinic
Classification: Benign. Last evaluated: 2022-04-08. Review status: criteria provided, single submitter. Criteria: ACMG Guidelines, 2015. Collection method: clinical testing. Allele origin: germline. Observed: 75 variant alleles.

Athena Diagnostics
Classification: Benign. Last evaluated: 2018-08-31. Review status: criteria provided, single submitter. Criteria: Athena Diagnostics Criteria. Collection method: clinical testing. Allele origin: germline.

GeneDx
Classification: Benign. Last evaluated: 2017-05-09. Review status: criteria provided, single submitter. Criteria: GeneDx Variant Classification (06012015). Collection method: clinical testing. Allele origin: germline. Affected: yes.
Comment: This variant is considered likely benign or benign based on one or more of the following criteria: it is a conservative change, it occurs at a poorly conserved position in the protein, it is predicted to be benign by multiple in silico algorithms, and/or has population frequency not consistent with disease.

Laboratory for Molecular Medicine, Mass General Brigham Personalized Medicine
Classification: Benign. Last evaluated: 2012-05-07. Review status: criteria provided, single submitter. Criteria: LMM Criteria. Collection method: clinical testing. Allele origin: germline. Observed: 78 variant alleles.
Comment: Met645Ile in Exon 15 of TJP2: This variant is not expected to have clinical sign ificance because it has been identified in 6.5% (458/7020) of European American chromosomes from a broad population by the NHLBI Exome Sequencing Project (dbSNP rs34774441).

Breakthrough Genomics
Classification: Benign. Review status: criteria provided, single submitter. Criteria: ACMG Guidelines, 2015. Collection method: not provided. Allele origin: germline. Inheritance: Autosomal recessive inheritance. Affected: yes.

PreventionGenetics, part of Exact Sciences
Classification: Benign. Review status: criteria provided, single submitter. Criteria: ACMG Guidelines, 2015. Collection method: clinical testing. Allele origin: germline.